The following is an entry in ClinVar:

ClinVar aggregate classification (germline): Uncertain significance (1 of 4 stars; one submission).

Allele frequency attached by ClinVar (database versions not stated): ExAC 0.00007; 1000 Genomes Project 0.00053.
gnomAD v4.1: 83 of 1,197,223 alleles (0.0069%); highest among the groups gnomAD compares: South Asian, 0.063%; no homozygotes.

Submission:

Labcorp Genetics (formerly Invitae), Labcorp
Classification: Uncertain significance. Last evaluated: 2025-03-17. Review status: criteria provided, single submitter. Criteria: Invitae Variant Classification Sherloc (09022015). Collection method: clinical testing. Allele origin: germline.
Comment: This sequence change replaces aspartic acid, which is acidic and polar, with glutamic acid, which is acidic and polar, at codon 120 of the RBM10 protein (p.Asp120Glu). The frequency data for this variant in the population databases is considered unreliable, as metrics indicate poor data quality at this position in the gnomAD database. This variant has not been reported in the literature in individuals affected with RBM10-related conditions. ClinVar contains an entry for this variant (Variation ID: 2178903). An algorithm developed to predict the effect of missense changes on protein structure and function outputs the following: PolyPhen-2: "Benign". The glutamic acid amino acid residue is found in multiple mammalian species, which suggests that this missense change does not adversely affect protein function. In summary, the available evidence is currently insufficient to determine the role of this variant in disease. Therefore, it has been classified as a Variant of Uncertain Significance.

NM_005676.5(RBM10):c.360T>G (p.Asp120Glu)

Gene: RBM10 (RNA binding motif protein 10; plus strand). Cytogenetic location: Xp11.3.
Variant type: single nucleotide variant.
Coding change: c.360T>G on transcript NM_005676.5 (MANE Select); coding-DNA position 360, T replaced by G.
Protein change: p.Asp120Glu; replaces aspartic acid 120 with glutamic acid.
Molecular consequence: missense variant. On other transcripts: intron variant (2).
Genome position (GRCh38, 1-based): chrX:47,171,186, T>G. VCF-style: chrX-47171186-T-G. GRCh37 (hg19) VCF-style: chrX-47030585-T-G.
Other names: c.360T>G, p.Asp120Glu (NM_001204467.2); c.555T>G, p.Asp185Glu (NM_001204468.2); c.201+1688T>G (NM_001204466.2, NM_152856.3); short protein forms D185E, D120E.
Identifiers: ClinVar variation 2178903 (VCV002178903.4), dbSNP rs377667483, ClinGen allele CA10395101.